The following is an entry in ClinVar:

ClinVar aggregate classification (germline): Likely benign. Review status: criteria provided, multiple submitters, no conflicts (2 of 4 stars). 2 submissions from 2 submitters: Likely benign (2). Last evaluated 2024-11-11.

Conditions:
Camptomelic dysplasia (CMPD). Also called: CMPD1/SRA1; Campomelic Dysplasia. Identifiers: Orphanet 140, MedGen C1861922, MONDO:0007251, OMIM 114290.

Allele frequency attached by ClinVar (database versions not stated): gnomAD 0.00001; gnomAD exomes 0.00001 and 0.00002; ExAC 0.00003.

Submissions (2):

Labcorp Genetics (formerly Invitae), Labcorp
Classification: Likely benign for Camptomelic dysplasia. Last evaluated: 2024-11-11. Review status: criteria provided, single submitter. Criteria: Invitae Variant Classification Sherloc (09022015). Collection method: clinical testing. Allele origin: germline.

GeneDx
Classification: Likely benign. Last evaluated: 2017-02-17. Review status: criteria provided, single submitter. Criteria: GeneDx Variant Classification (06012015). Collection method: clinical testing. Allele origin: germline. Affected: yes.
Comment: This variant is considered likely benign or benign based on one or more of the following criteria: it is a conservative change, it occurs at a poorly conserved position in the protein, it is predicted to be benign by multiple in silico algorithms, and/or has population frequency not consistent with disease.

NM_000346.4(SOX9):c.18C>T (p.Pro6=)

Genes: SOX9 (SRY-box transcription factor 9; plus strand), LOC108021846 (SOX9 promoter region; plus strand). Cytogenetic location: 17q24.3.
Variant type: single nucleotide variant.
Coding change: c.18C>T on transcript NM_000346.4 (MANE Select); coding-DNA position 18, C replaced by T.
Protein change: p.Pro6=; no amino-acid change (proline 6 retained).
Molecular consequence: synonymous variant.
Genome position (GRCh38, 1-based): chr17:72,121,409, C>T. VCF-style: chr17-72121409-C-T. GRCh37 (hg19) VCF-style: chr17-70117550-C-T.
Identifiers: ClinVar variation 507525 (VCV000507525.9), dbSNP rs780889240, ClinGen allele CA8738860.